The following is an entry in ClinVar:

ClinVar aggregate classification (germline): Uncertain significance. Review status: criteria provided, multiple submitters, no conflicts (2 of 4 stars). 3 submissions from 3 submitters: Uncertain significance (3). Last evaluated 2025-09-19.

Conditions:
PIEZO1-related disorder. Also called: PIEZO1-related condition; PIEZO1-Related Disorders.

Submissions (3):

Labcorp Genetics (formerly Invitae), Labcorp
Classification: Uncertain significance. Last evaluated: 2025-09-19. Review status: criteria provided, single submitter. Criteria: Invitae Variant Classification Sherloc (09022015). Collection method: clinical testing. Allele origin: germline.
Comment: This variant, c.2262_2270dup, results in the insertion of 3 amino acid(s) of the PIEZO1 protein (p.Glu754_Glu756dup), but otherwise preserves the integrity of the reading frame. The frequency data for this variant in the population databases is considered unreliable, as metrics indicate poor data quality at this position in the gnomAD database. This variant has not been reported in the literature in individuals affected with PIEZO1-related conditions. In summary, the available evidence is currently insufficient to determine the role of this variant in disease. Therefore, it has been classified as a Variant of Uncertain Significance.

PreventionGenetics, part of Exact Sciences
Classification: Uncertain significance for PIEZO1-related condition. Last evaluated: 2025-07-27. Review status: criteria provided, single submitter. Criteria: ACMG Guidelines, 2015. Collection method: clinical testing. Allele origin: germline.
Comment: The PIEZO1 c.2262_2270dup9 variant is predicted to result in an in-frame duplication (p.Glu754_Glu756dup). To our knowledge, this variant has not been reported in the literature. This variant is reported in 0.021% of alleles in individuals of European (Non-Finnish) descent in gnomAD. At this time, the clinical significance of this variant is uncertain due to the absence of conclusive functional and genetic evidence.

Revvity Omics, Revvity
Classification: Uncertain significance. Last evaluated: 2024-02-14. Review status: criteria provided, single submitter. Criteria: ACMG Guidelines, 2015. Collection method: clinical testing. Allele origin: germline.

NM_001142864.4(PIEZO1):c.2247GGA[11] (p.Glu756_Asp757insGluGluGlu)

Genes: HSALR1 (HSP90AB1 associated lncRNA 1; plus strand), PIEZO1 (piezo type mechanosensitive ion channel component 1 (Er blood group); minus strand). Cytogenetic location: 16q24.3.
Variant type: Microsatellite.
Coding change: c.2247GGA[11] on transcript NM_001142864.4 (MANE Select); 11 copies in a row of the 3-base unit GGA starting at c.2247; the reference has eight copies in a row; three copies, 9 bases duplicated; also written c.2262_2270dup.
Protein change: p.Glu756_Asp757insGluGluGlu.
Molecular consequence: inframe insertion.
Genome position (GRCh38, 1-based): chr16:88,733,965-88,733,973, TCCTCCTCC duplicated on the plus strand (GGAGGAGGA on the coding strand, the reverse complement: PIEZO1 is on the minus strand); duplicating any 9 consecutive bases within chr16:88,733,965-88,733,989 gives the same sequence; the position shown is the placement nearest the transcript's 3' end. VCF-style (leftmost placement, unchanged base first): chr16-88733964-G-GTCCTCCTCC. GRCh37 (hg19) VCF-style: chr16-88800372-G-GTCCTCCTCC.
Other names: c.2262_2270dup9 (NM_001142864.3); c.2262_2270dup (NM_001142864.4).
Identifiers: ClinVar variation 4079622 (VCV004079622.3).